The following is an entry in ClinVar:

NM_012082.4(ZFPM2):c.130G>A (p.Glu44Lys)

Gene: ZFPM2 (zinc finger protein, FOG family member 2; plus strand). Cytogenetic location: 8q23.1.
Variant type: single nucleotide variant.
Coding change: c.130G>A on transcript NM_012082.4 (MANE Select); coding-DNA position 130, G replaced by A.
Protein change: p.Glu44Lys; replaces glutamic acid 44 with lysine.
Molecular consequence: missense variant. On other transcripts: 5 prime UTR variant (1), intron variant (1).
Genome position (GRCh38, 1-based): chr8:105,419,233, G>A. VCF-style: chr8-105419233-G-A. GRCh37 (hg19) VCF-style: chr8-106431461-G-A.
Other names: c.-267G>A (NM_001362837.2); c.41-25047G>A (NM_001362836.2); short protein forms E44K.
Identifiers: ClinVar variation 633465 (VCV000633465.18), dbSNP rs569356297, ClinGen allele CA4839387.

ClinVar aggregate classification (germline): Conflicting classifications of pathogenicity. Review status: criteria provided, conflicting classifications (1 of 4 stars). 3 submissions from 3 submitters: Uncertain significance (1); Likely benign (2). Last evaluated 2025-02-01.

Conditions:
46,XY sex reversal 9 (SRXY9). Also called: 46,XY SEX REVERSAL, ZFPM2-RELATED. Identifiers: Orphanet 251510, MedGen C4015129, MONDO:0014480, OMIM 616067.
Diaphragmatic hernia 3 (DIH3). Identifiers: Orphanet 2140, MedGen C1857781, MONDO:0012431, OMIM 610187.

Allele frequency attached by ClinVar (database versions not stated): gnomAD below 0.00001 and 0.00006; TOPMed 0.00002; gnomAD exomes 0.00011 and 0.00026; ExAC 0.00031; 1000 Genomes Project 0.00060; 1000 Genomes Project 30x 0.00062.

Submissions (3):

CeGaT Center for Human Genetics Tuebingen
Classification: Likely benign. Last evaluated: 2025-02-01. Review status: criteria provided, single submitter. Criteria: CeGaT Center For Human Genetics Tuebingen Variant Classification Criteria Version 2. Collection method: clinical testing. Allele origin: germline. Affected: yes. Observed: 1 variant allele.
Comment: ZFPM2: BS1

Labcorp Genetics (formerly Invitae), Labcorp
Classification: Likely benign for 46,XY sex reversal 9. Last evaluated: 2023-05-23. Review status: criteria provided, single submitter. Criteria: Invitae Variant Classification Sherloc (09022015). Collection method: clinical testing. Allele origin: germline.

Diagnostics Division, CENTRE FOR DNA FINGERPRINTING AND DIAGNOSTICS
Classification: Uncertain significance for Diaphragmatic hernia 3. Last evaluated: 2019-01-01. Review status: criteria provided, single submitter. Criteria: ACMG Guidelines, 2015. Collection method: research. Allele origin: germline. Affected: yes. Observed: 1 heterozygote.
Comment: Missense variant